The following is an entry in ClinVar:

NM_000642.3(AGL):c.594A>T (p.Gly198=)

Gene: AGL (amylo-alpha-1,6-glucosidase and 4-alpha-glucanotransferase; plus strand). Cytogenetic location: 1p21.2.
Variant type: single nucleotide variant.
Coding change: c.594A>T on transcript NM_000642.3 (MANE Select); coding-DNA position 594, A replaced by T.
Protein change: p.Gly198=; no amino-acid change (glycine 198 retained).
Molecular consequence: synonymous variant.
Genome position (GRCh38, 1-based): chr1:99,864,519, A>T. VCF-style: chr1-99864519-A-T. GRCh37 (hg19) VCF-style: chr1-100330075-A-T.
Other names: c.594A>T, p.Gly198= (NM_001425326.1, NM_001425327.1, NM_000028.3 and 3 more transcripts); c.546A>T, p.Gly182= (NM_000646.3); c.216A>T, p.Gly72= (NM_001425332.1).
Identifiers: ClinVar variation 1471025 (VCV001471025.6), dbSNP rs2101094061, ClinGen allele CA419096215.

ClinVar aggregate classification (germline): Uncertain significance (1 of 4 stars; one submission).

Conditions:
Glycogen storage disease type III (GSD3). Also called: Cori disease; FORBES DISEASE. Identifiers: Orphanet 366, MedGen C0017922, MONDO:0009291, OMIM 232400.

Submission:

Labcorp Genetics (formerly Invitae), Labcorp
Classification: Uncertain significance for Glycogen storage disease type III. Last evaluated: 2021-08-26. Review status: criteria provided, single submitter. Criteria: Invitae Variant Classification Sherloc (09022015). Collection method: clinical testing. Allele origin: germline.
Comment: In summary, the available evidence is currently insufficient to determine the role of this variant in disease. Therefore, it has been classified as a Variant of Uncertain Significance. Algorithms developed to predict the effect of sequence changes on RNA splicing suggest that this variant may create or strengthen a splice site. This variant has not been reported in the literature in individuals affected with AGL-related conditions. This variant is not present in population databases (ExAC no frequency). This sequence change affects codon 198 of the AGL mRNA. It is a 'silent' change, meaning that it does not change the encoded amino acid sequence of the AGL protein.